The following is an entry in ClinVar:

ClinVar aggregate classification (germline): Uncertain significance (1 of 4 stars; one submission).

Conditions:
Familial cold autoinflammatory syndrome 2 (FCAS2). Identifiers: Orphanet 247868, MedGen C2673198, MONDO:0012724, OMIM 611762.

Allele frequency attached by ClinVar (database versions not stated): TOPMed 0.00003.
gnomAD v4.1: 12 of 1,613,996 alleles (0.00074%); highest among the groups gnomAD compares: Admixed American, 0.02%; no homozygotes.

Submission:

Labcorp Genetics (formerly Invitae), Labcorp
Classification: Uncertain significance for Familial cold autoinflammatory syndrome 2. Last evaluated: 2025-12-15. Review status: criteria provided, single submitter. Criteria: Invitae Variant Classification Sherloc (09022015). Collection method: clinical testing. Allele origin: germline.
Comment: This sequence change creates a premature translational stop signal (p.Cys506*) in the NLRP12 gene. It is expected to result in an absent or disrupted protein product. However, the current clinical and genetic evidence is not sufficient to establish whether loss-of-function variants in NLRP12 cause disease. This variant is present in population databases (rs757697839, gnomAD 0.03%). This variant has not been reported in the literature in individuals affected with NLRP12-related conditions. ClinVar contains an entry for this variant (Variation ID: 1469048). In summary, the available evidence is currently insufficient to determine the role of this variant in disease. Therefore, it has been classified as a Variant of Uncertain Significance.

NM_144687.4(NLRP12):c.1518T>A (p.Cys506Ter)

Gene: NLRP12 (NLR family pyrin domain containing 12; minus strand). Cytogenetic location: 19q13.42.
Variant type: single nucleotide variant.
Coding change: c.1518T>A on transcript NM_144687.4 (MANE Select); coding-DNA position 1518, T replaced by A.
Protein change: p.Cys506Ter; replaces cysteine 506 with a stop codon.
Molecular consequence: nonsense.
Genome position (GRCh38, 1-based): chr19:53,810,141, A>T on the plus strand (T>A on the coding strand, the complement: NLRP12 is on the minus strand). VCF-style: chr19-53810141-A-T. GRCh37 (hg19) VCF-style: chr19-54313395-A-T.
Other names: c.1518T>A, p.Cys506Ter (NM_001277126.2, NM_001277129.1); short protein forms C506*.
Identifiers: ClinVar variation 1469048 (VCV001469048.6), dbSNP rs757697839, ClinGen allele CA9639413.